The following is an entry in ClinVar:

ClinVar aggregate classification (germline): Conflicting classifications of pathogenicity. Review status: criteria provided, conflicting classifications (1 of 4 stars). 7 submissions from 7 submitters: Pathogenic (2); Likely pathogenic (3); Uncertain significance (1). 1 of the submissions does not count toward it. Last evaluated 2026-02-07.

Conditions:
Cardiovascular phenotype. Identifiers: MedGen CN230736.
Dilated cardiomyopathy 1G (CMD1G). Identifiers: Orphanet 154, MedGen C1858763, MONDO:0011400, OMIM 604145.
Autosomal recessive limb-girdle muscular dystrophy type 2J (LGMDR10). Also called: MUSCULAR DYSTROPHY, LIMB-GIRDLE, AUTOSOMAL RECESSIVE 10; Limb-girdle muscular dystrophy, type 2J. Identifiers: Orphanet 140922, MedGen C1837342, MONDO:0012127, OMIM 608807.
Primary dilated cardiomyopathy (DCM). Also called: Dilated Cardiomyopathy. Identifiers: Orphanet 217604, MedGen C0007193, MeSH D002311, MONDO:0005021, HP:0001644. Inheritance: Various modes of inheritance.

Allele frequency attached by ClinVar (database versions not stated): TOPMed 0.00001; gnomAD 0.00001; 1000 Genomes Project 30x 0.00016; gnomAD exomes below 0.00001; ExAC 0.00002; 1000 Genomes Project 0.00020.
gnomAD v4.1: 7 of 1,613,600 alleles (0.00043%); highest among the groups gnomAD compares: South Asian, 0.0011%; no homozygotes.

Submissions (7):

GeneDx
Classification: Pathogenic. Last evaluated: 2026-02-07. Review status: criteria provided, single submitter. Criteria: GeneDx Variant Classification Process June 2021. Collection method: clinical testing. Allele origin: germline.
Comment: Nonsense variant predicted to result in protein truncation or nonsense mediated decay in a gene for which loss of function is a known mechanism of disease; Not observed at significant frequency in large population cohorts (gnomAD); Located in the A-band, a region of TTN for which truncating variants are significantly associated with autosomal dominant cardiomyopathy and also with autosomal recessive skeletal myopathies (PMID: 22335739, 32778822); This variant is associated with the following publications: (PMID: 25589632, 27625338, 35177841, 22335739, 32778822, 38438525, 39844436)

Labcorp Genetics (formerly Invitae), Labcorp
Classification: Likely pathogenic for Dilated cardiomyopathy 1G; Autosomal recessive limb-girdle muscular dystrophy type 2J. Last evaluated: 2026-01-11. Review status: criteria provided, single submitter. Criteria: Invitae Variant Classification Sherloc (09022015). Collection method: clinical testing. Allele origin: germline.
Comment: This sequence change creates a premature translational stop signal (p.Arg32851*) in the TTN gene. While this is not anticipated to result in nonsense mediated decay, it is expected to create a truncated TTN protein. This variant is present in population databases (rs553821887, gnomAD 0.0009%). This premature translational stop signal has been observed in individual(s) with TTN-related conditions (PMID: 39844436). ClinVar contains an entry for this variant (Variation ID: 223261). This variant is located in the A band of TTN (PMID: 25589632). Truncating variants in this region are significantly overrepresented in patients affected with dilated cardiomyopathy (PMID: 25589632). Truncating variants in this region have also been reported in individuals affected with autosomal recessive centronuclear myopathy (PMID: 23975875). In summary, the currently available evidence indicates that the variant is pathogenic, but additional data are needed to prove that conclusively. Therefore, this variant has been classified as Likely Pathogenic.

3billion
Classification: Pathogenic for Dilated cardiomyopathy 1G. Last evaluated: 2024-11-08. Review status: criteria provided, single submitter. Criteria: ACMG Guidelines, 2015. Collection method: clinical testing. Allele origin: germline. Affected: yes.
Comment: The variant is observed at an extremely low frequency in the gnomAD v4.1.0 dataset (total allele frequency: <0.001%). Predicted Consequence/Location: Stop-gained (nonsense): predicted to result in a loss or disruption of normal protein function through nonsense-mediated decay (NMD) or protein truncation. Multiple pathogenic variants are reported downstream of the variant. The variant has been reported at least twice as pathogenic without evidence for the classification (ClinVar ID: VCV000223261). Therefore, this variant is classified as Pathogenic according to the recommendation of ACMG/AMP guideline.

Ambry Genetics
Classification: Likely pathogenic for Cardiovascular phenotype. Last evaluated: 2020-11-25. Review status: criteria provided, single submitter. Criteria: Ambry Variant Classification Scheme 2023. Collection method: clinical testing. Allele origin: germline.
Comment: The p.R23786* variant (also known as c.71356C>T), located in coding exon 179 of the TTN gene, results from a C to T substitution at nucleotide position 71356. This changes the amino acid from an arginine to a stop codon within coding exon 179. This exon is located in the A-band region of the N2-B isoform of the titin protein and is constitutively expressed in TTN transcripts (percent spliced in or PSI 100%). This variant (referred to as p.R32851*, c.98551C>T) has been detected in a community-based cohort; however, clinical details were limited (Roberts AM et al. Sci Transl Med, 2015 Jan;7:270ra6). This alteration is expected to result in loss of function by premature protein truncation or nonsense-mediated mRNA decay. While truncating variants in TTN are present in 1-3% of the general population, truncating variants in the A-band are the most common cause of dilated cardiomyopathy (DCM) (Herman DS et al. N. Engl. J. Med., 2012 Feb;366:619-28; Roberts AM et al. Sci Transl Med, 2015 Jan;7:270ra6). TTN truncating variants encoded in constitutive exons (PSI >90%) have been found to be significantly associated with DCM regardless of their position in titin (Schafer S et al. Nat. Genet., 2017 01;49:46-53). As such, this alteration is classified as likely pathogenic.

Laboratory for Molecular Medicine, Mass General Brigham Personalized Medicine
Classification: Likely pathogenic for Primary dilated cardiomyopathy. Last evaluated: 2019-01-25. Review status: criteria provided, single submitter. Criteria: ACMG Guidelines, 2015. Collection method: clinical testing. Allele origin: germline.
Comment: The p.Arg30283X variant in TTN has not been reported in individuals with TTN-associated diseases, such as dilated cardiomyopathy and neuromuscular conditions but has been identified in 1/112706 European chromosomes by gnomAD. This nonsense variant leads to a premature termination codon at position 30283, which is predicted to lead to a truncated or absent protein. TTN truncating variants located in exons that are highly expressed in the heart are strongly associated with autosomal dominant DCM, particularly if they are located in the A-band (Herman 2012, Pugh 2014, Roberts 2015). In addition, TTN variants have also been associated with myopathies and other neuromuscular conditions, which usually have autosomal recessive inheritance (Savarese 2016). The p.Arg30283X variant is located in the A-band. In summary, although additional studies are required to fully establish its clinical significance, this variant meets criteria to be classified as likely pathogenic for TTN-associated diseases. ACMG/AMP Criteria applied: PVS1, PM2.

Cardiovascular Biomedical Research Unit, Royal Brompton & Harefield NHS Foundation Trust
Classification: Uncertain significance for Primary dilated cardiomyopathy. Last evaluated: 2014-10-08. Review status: criteria provided, single submitter. Criteria: Roberts et al. 2015. Collection method: research. Allele origin: germline. Inheritance: Autosomal dominant inheritance. Affected: no. Observed: 2 variant alleles. Study: FHS cohort.
Comment: This TTN truncating variant (TTNtv) was identified in two individuals in this cohort and is located in an exon that is highly expressed in the heart. In the seven cohorts assessed, TTNtv were found in 14% of ambulant DCM, 22% end-stage or familial DCM, and 2% controls. Heterozygous nonsense, frameshift and canonical splice-disrupting variants found in constitutive and other highly utilised exons are highly likely to be pathogenic when identified in individuals with phenotypically confirmed DCM. TTNtv found incidentally in healthy individuals (excluding familial assessment of DCM relatives) are thought to have low penetrance, particularly when identified in exons that are not constitutively expressed in the heart.

Cardiogenetics and Myogenetics Molecular and Cellular Functional Unit, Aphp Sorbonne University-Hopital Pitie Salpetriere
Classification: Likely pathogenic for Dilated cardiomyopathy 1G. Last evaluated: 2024-01-06. Review status: no assertion criteria provided. Collection method: clinical testing. Allele origin: germline. Affected: yes. Not counted in ClinVar's aggregate classification.

Literature cited by the submitters: PubMed 39844436 (cited by Labcorp Genetics (formerly Invitae), Labcorp); PubMed 25589632 (cited by 3 submitters); PubMed 23975875 (cited by Labcorp Genetics (formerly Invitae), Labcorp).

NM_001267550.2(TTN):c.98551C>T (p.Arg32851Ter)

Genes: TTN (titin; minus strand), TTN-AS1 (TTN antisense RNA 1; plus strand). Cytogenetic location: 2q31.2.
Variant type: single nucleotide variant.
Coding change: c.98551C>T on transcript NM_001267550.2 (MANE Select); coding-DNA position 98551, C replaced by T.
Protein change: p.Arg32851Ter; replaces arginine 32851 with a stop codon.
Molecular consequence: nonsense. On other transcripts: non-coding transcript variant (1).
Genome position (GRCh38, 1-based): chr2:178,539,514, G>A on the plus strand (C>T on the coding strand, the complement: TTN is on the minus strand). VCF-style: chr2-178539514-G-A. GRCh37 (hg19) VCF-style: chr2-179404241-G-A.
Other names: c.93628C>T, p.Arg31210Ter (NM_001256850.1); c.71356C>T, p.Arg23786Ter (NM_003319.4); c.90847C>T, p.Arg30283Ter (NM_133378.4); c.71731C>T, p.Arg23911Ter (NM_133432.3); c.71932C>T, p.Arg23978Ter (NM_133437.4); c.98551C>T (LRG_391t1, NM_001267550.1); short protein forms R32851*, R23911*, R31210*, R23786*, R23978*, R30283*.
Identifiers: ClinVar variation 223261 (VCV000223261.18), dbSNP rs553821887, ClinGen allele CA116537.